The following is an entry in ClinVar:

NM_000465.4(BARD1):c.2094T>G (p.Gly698=)

Gene: BARD1 (BRCA1 associated RING domain 1; minus strand). Cytogenetic location: 2q35.
Variant type: single nucleotide variant.
Coding change: c.2094T>G on transcript NM_000465.4 (MANE Select); coding-DNA position 2094, T replaced by G.
Protein change: p.Gly698=; no amino-acid change (glycine 698 retained).
Molecular consequence: synonymous variant. On other transcripts: non-coding transcript variant (3).
Genome position (GRCh38, 1-based): chr2:214,728,916, A>C on the plus strand (T>G on the coding strand, the complement: BARD1 is on the minus strand). VCF-style: chr2-214728916-A-C. GRCh37 (hg19) VCF-style: chr2-215593640-A-C.
Other names: c.2037T>G, p.Gly679= (NM_001282543.2); c.741T>G, p.Gly247= (NM_001282545.2); c.684T>G, p.Gly228= (NM_001282548.2); c.555T>G, p.Gly185= (NM_001282549.2).
Identifiers: ClinVar variation 388712 (VCV000388712.18), dbSNP rs1057523211, ClinGen allele CA16604374.
Genomic context (GRCh38, chr2:214,728,916, plus strand): 5'-ATTGATGGTCTGAGTCACGTCACTGTCTGGCTTGGGCTTTCTACTGAGGATCTGGCCCCC[A>C]CCTGCAGTGACGAGCTTAATAAGGTTGTCCTTTGGATGGTGTTTGAAGGTTCCCCACAAA-3'
Protein context (NP_000456.2, residues 688-708): KDNLIKLVTA[Gly698=]GGQILSRKPK

ClinVar aggregate classification (germline): Benign/Likely benign. Review status: criteria provided, multiple submitters, no conflicts (2 of 4 stars). 4 submissions from 4 submitters: Benign (1); Likely benign (3). Last evaluated 2024-07-29.

Conditions:
Hereditary cancer-predisposing syndrome. Also called: Hereditary Cancer Syndrome; Hereditary neoplastic syndrome; Neoplastic Syndromes, Hereditary; Tumor predisposition. Identifiers: Orphanet 140162, MedGen C0027672, MeSH D009386, MONDO:0015356.
Familial cancer of breast. Also called: Hereditary breast cancer; hereditary breast carcinoma; BREAST CANCER, FAMILIAL. Identifiers: Orphanet 227535, MedGen C0346153, MONDO:0016419, OMIM 114480. Disease mechanism: loss of function.

Submissions (4):

Myriad Genetics, Inc.
Classification: Benign for Familial cancer of breast. Last evaluated: 2024-07-29. Review status: criteria provided, single submitter. Criteria: Myriad Autosomal Dominant, Autosomal Recessive and X-Linked Classification Criteria (2023). Collection method: clinical testing. Allele origin: unknown.
Comment: This variant is considered benign. This variant is a silent/synonymous amino acid change and it is not expected to impact splicing.

Labcorp Genetics (formerly Invitae), Labcorp
Classification: Likely benign for Familial cancer of breast. Last evaluated: 2023-06-02. Review status: criteria provided, single submitter. Criteria: Invitae Variant Classification Sherloc (09022015). Collection method: clinical testing. Allele origin: germline.

Ambry Genetics
Classification: Likely benign for Hereditary cancer-predisposing syndrome. Last evaluated: 2018-11-28. Review status: criteria provided, single submitter. Criteria: Ambry Variant Classification Scheme 2023. Collection method: clinical testing. Allele origin: germline.

GeneDx
Classification: Likely benign. Last evaluated: 2016-08-16. Review status: criteria provided, single submitter. Criteria: GeneDx Variant Classification (06012015). Collection method: clinical testing. Allele origin: germline. Affected: yes.
Comment: This variant is considered likely benign or benign based on one or more of the following criteria: it is a conservative change, it occurs at a poorly conserved position in the protein, it is predicted to be benign by multiple in silico algorithms, and/or has population frequency not consistent with disease.